The following is an entry in ClinVar:

ClinVar aggregate classification (germline): Uncertain significance (1 of 4 stars; one submission).

Conditions:
Neuropathy, hereditary sensory, type 1F. Also called: HSN IF; Hereditary sensory neuropathy type IF. Identifiers: Orphanet 36386, MedGen C3810194, MONDO:0014286, OMIM 615632.

gnomAD v4.1: 2 of 1,590,826 alleles (0.00013%); highest among the groups gnomAD compares: South Asian, 0.0023%; no homozygotes.

Submission:

Labcorp Genetics (formerly Invitae), Labcorp
Classification: Uncertain significance for Neuropathy, hereditary sensory, type 1F. Last evaluated: 2023-06-05. Review status: criteria provided, single submitter. Criteria: Invitae Variant Classification Sherloc (09022015). Collection method: clinical testing. Allele origin: germline.
Comment: In summary, the available evidence is currently insufficient to determine the role of this variant in disease. Therefore, it has been classified as a Variant of Uncertain Significance. Algorithms developed to predict the effect of sequence changes on RNA splicing suggest that this variant may disrupt the consensus splice site. This variant has not been reported in the literature in individuals affected with ATL3-related conditions. This variant is not present in population databases (gnomAD no frequency). This sequence change falls in intron 2 of the ATL3 gene. It does not directly change the encoded amino acid sequence of the ATL3 protein.

NM_015459.5(ATL3):c.262-9C>G

Genes: ATL3 (atlastin GTPase 3; minus strand), LNCROPM (lncRNA regulator of PLAAT3 mediated phospholipid metabolism; plus strand). Cytogenetic location: 11q13.1.
Variant type: single nucleotide variant.
Coding change: c.262-9C>G on transcript NM_015459.5 (MANE Select); 9 bases into the intron before coding-DNA position 262, C replaced by G.
Molecular consequence: intron variant.
Genome position (GRCh38, 1-based): chr11:63,658,913, G>C on the plus strand (C>G on the coding strand, the complement: ATL3 is on the minus strand). VCF-style: chr11-63658913-G-C. GRCh37 (hg19) VCF-style: chr11-63426385-G-C.
Other names: c.208-9C>G (NM_001290048.2).
Identifiers: ClinVar variation 2906241 (VCV002906241.3), dbSNP rs1244060973, ClinGen allele CA475143606.